The following is an entry in ClinVar:

ClinVar aggregate classification (germline): Pathogenic (1 of 4 stars; one submission).

Conditions:
Maple syrup urine disease type 2 (MSUD2). Also called: Maple syrup urine disease, type II. Identifiers: MedGen C1855371, MONDO:0023693, OMIM 620699.

Submission:

Myriad Genetics, Inc.
Classification: Pathogenic for Maple syrup urine disease type 2. Last evaluated: 2026-04-29. Review status: criteria provided, single submitter. Criteria: Myriad Autosomal Dominant, Autosomal Recessive and X-Linked Classification Criteria (2023). Collection method: clinical testing. Allele origin: unknown.
Comment: NM_001918.3(DBT):c.386_387ins14(L135Mfs*6) is expected to be pathogenic in the context of maple syrup urine disease type II. This variant is predicted to lead to an abnormal or absent protein product due to the creation of a premature termination codon in DBT, a gene where loss-of-function variants are known to be pathogenic. Please note: this variant was assessed in the context of healthy population screening.

NM_001918.5(DBT):c.386_387insATATGTGGGGAAGC (p.Leu135fs)

Gene: DBT (dihydrolipoamide branched chain transacylase E2; minus strand). Cytogenetic location: 1p21.2.
Variant type: Insertion.
Coding change: c.386_387insATATGTGGGGAAGC on transcript NM_001918.5 (MANE Select); coding-DNA positions 386 to 387, ATATGTGGGGAAGC inserted.
Protein change: p.Leu135fs; shifts the reading frame from leucine 135.
Molecular consequence: frameshift variant. On other transcripts: 5 prime UTR variant (2), non-coding transcript variant (3).
Genome position: GRCh38 VCF-style: chr1-100230779-G-GGCTTCCCCACATAT. GRCh37 (hg19) VCF-style: chr1-100696335-G-GGCTTCCCCACATAT.
Other names: c.-158_-157insATATGTGGGGAAGC (NM_001399969.1, NM_001399972.1); short protein forms L135fs.
Identifiers: ClinVar variation 5015842 (VCV005015842.1).